The following is an entry in ClinVar:

ClinVar aggregate classification (germline): Uncertain significance. Review status: criteria provided, multiple submitters, no conflicts (2 of 4 stars). 2 submissions from 2 submitters: Uncertain significance (2). Last evaluated 2024-07-07.

Conditions:
Spermatogenic failure 18. Identifiers: MedGen C4539783, MONDO:0054615, OMIM 617576.
Ciliary dyskinesia, primary, 37 (CILD37). Also called: CILIARY DYSKINESIA, PRIMARY, 37, WITH OR WITHOUT SITUS INVERSUS. Identifiers: MedGen C4539798, MONDO:0033204, OMIM 617577.

Allele frequency attached by ClinVar (database versions not stated): ExAC 0.00007; ESP Exome Variant Server 0.00023; gnomAD 0.00023 and 0.00029; TOPMed 0.00023.
gnomAD v4.1: 65 of 1,613,858 alleles (0.004%); highest among the groups gnomAD compares: African/African-American, 0.073%; no homozygotes.

Submissions (2):

Ambry Genetics
Classification: Uncertain significance. Last evaluated: 2024-07-07. Review status: criteria provided, single submitter. Criteria: Ambry Variant Classification Scheme 2023. Collection method: clinical testing. Allele origin: germline.

Labcorp Genetics (formerly Invitae), Labcorp
Classification: Uncertain significance for Ciliary dyskinesia, primary, 37; Spermatogenic failure 18. Last evaluated: 2022-08-09. Review status: criteria provided, single submitter. Criteria: Invitae Variant Classification Sherloc (09022015). Collection method: clinical testing. Allele origin: germline.
Comment: In summary, the available evidence is currently insufficient to determine the role of this variant in disease. Therefore, it has been classified as a Variant of Uncertain Significance. Algorithms developed to predict the effect of missense changes on protein structure and function are either unavailable or do not agree on the potential impact of this missense change (SIFT: "Deleterious"; PolyPhen-2: "Benign"; Align-GVGD: "Class C25"). ClinVar contains an entry for this variant (Variation ID: 582738). This variant has not been reported in the literature in individuals affected with DNAH1-related conditions. This variant is present in population databases (rs376327672, gnomAD 0.07%). This sequence change replaces aspartic acid, which is acidic and polar, with alanine, which is neutral and non-polar, at codon 830 of the DNAH1 protein (p.Asp830Ala).

NM_015512.5(DNAH1):c.2489A>C (p.Asp830Ala)

Gene: DNAH1 (dynein axonemal heavy chain 1; plus strand). Cytogenetic location: 3p21.1.
Variant type: single nucleotide variant.
Coding change: c.2489A>C on transcript NM_015512.5 (MANE Select); coding-DNA position 2489, A replaced by C.
Protein change: p.Asp830Ala; replaces aspartic acid 830 with alanine.
Molecular consequence: missense variant.
Genome position (GRCh38, 1-based): chr3:52,349,383, A>C. VCF-style: chr3-52349383-A-C. GRCh37 (hg19) VCF-style: chr3-52383399-A-C.
Other names: short protein forms D830A.
Identifiers: ClinVar variation 582738 (VCV000582738.7), dbSNP rs376327672, ClinGen allele CA2433262.